The following is an entry in ClinVar:

NM_003079.5(SMARCE1):c.734T>A (p.Leu245His)

Gene: SMARCE1 (SWI/SNF related BAF chromatin remodeling complex subunit E1; minus strand). Cytogenetic location: 17q21.2.
Variant type: single nucleotide variant.
Coding change: c.734T>A on transcript NM_003079.5 (MANE Select); coding-DNA position 734, T replaced by A.
Protein change: p.Leu245His; replaces leucine 245 with histidine.
Molecular consequence: missense variant.
Genome position (GRCh38, 1-based): chr17:40,631,674, A>T on the plus strand (T>A on the coding strand, the complement: SMARCE1 is on the minus strand). VCF-style: chr17-40631674-A-T. GRCh37 (hg19) VCF-style: chr17-38787926-A-T.
Other names: short protein forms L245H.
Identifiers: ClinVar variation 4170333 (VCV004170333.1).

ClinVar aggregate classification (germline): Uncertain significance (1 of 4 stars; one submission).

Conditions:
Hereditary cancer-predisposing syndrome. Also called: Neoplastic Syndromes, Hereditary; Tumor predisposition; Hereditary Cancer Syndrome; Hereditary neoplastic syndrome. Identifiers: Orphanet 140162, MedGen C0027672, MeSH D009386, MONDO:0015356.

Submission:

Ambry Genetics
Classification: Uncertain significance for Hereditary cancer-predisposing syndrome. Last evaluated: 2025-09-01. Review status: criteria provided, single submitter. Criteria: Ambry Variant Classification Scheme 2023. Collection method: clinical testing. Allele origin: germline.
Comment: The p.L245H variant (also known as c.734T>A), located in coding exon 8 of the SMARCE1 gene, results from a T to A substitution at nucleotide position 734. The leucine at codon 245 is replaced by histidine, an amino acid with similar properties. This amino acid position is conserved. In addition, the in silico prediction for this alteration is inconclusive. Based on the available evidence, the clinical significance of this variant remains unclear.